The following is an entry in ClinVar:

NM_019597.5(HNRNPH2):c.464C>G (p.Ala155Gly)

Genes: HNRNPH2 (heterogeneous nuclear ribonucleoprotein H2; plus strand), RPL36A-HNRNPH2 (RPL36A-HNRNPH2 readthrough; plus strand). Cytogenetic location: Xq22.1.
Variant type: single nucleotide variant.
Coding change: c.464C>G on transcript NM_019597.5 (MANE Select); coding-DNA position 464, C replaced by G.
Protein change: p.Ala155Gly; replaces alanine 155 with glycine.
Molecular consequence: missense variant. On other transcripts: 3 prime UTR variant (2).
Genome position (GRCh38, 1-based): chrX:101,412,452, C>G. VCF-style: chrX-101412452-C-G. GRCh37 (hg19) VCF-style: chrX-100667440-C-G.
Other names: c.*460C>G (NM_001199973.2, NM_001199974.2); c.464C>G, p.Ala155Gly (NM_001032393.3); short protein forms A155G.
Identifiers: ClinVar variation 1310792 (VCV001310792.2), dbSNP rs2147494885, ClinGen allele CA413942224.

ClinVar aggregate classification (germline): Uncertain significance (1 of 4 stars; one submission).

Submission:

GeneDx
Classification: Uncertain significance. Last evaluated: 2019-12-09. Review status: criteria provided, single submitter. Criteria: GeneDx Variant Classification Process June 2021. Collection method: clinical testing. Allele origin: germline. Affected: yes.
Comment: Not observed in large population cohorts (Lek et al., 2016); In silico analysis, which includes protein predictors and evolutionary conservation, supports a deleterious effect; Has not been previously published as pathogenic or benign to our knowledge